The following is an entry in ClinVar:

NM_001201543.2(FAM161A):c.977A>C (p.Lys326Thr)

Gene: FAM161A (FAM161 centrosomal protein A; minus strand). Cytogenetic location: 2p15.
Variant type: single nucleotide variant.
Coding change: c.977A>C on transcript NM_001201543.2 (MANE Select); coding-DNA position 977, A replaced by C.
Protein change: p.Lys326Thr; replaces lysine 326 with threonine.
Molecular consequence: missense variant. On other transcripts: non-coding transcript variant (1).
Genome position (GRCh38, 1-based): chr2:61,840,027, T>G on the plus strand (A>C on the coding strand, the complement: FAM161A is on the minus strand). VCF-style: chr2-61840027-T-G. GRCh37 (hg19) VCF-style: chr2-62067162-T-G.
Other names: c.977A>C, p.Lys326Thr (NM_032180.3); short protein forms K326T.
Identifiers: ClinVar variation 1443218 (VCV001443218.7), dbSNP rs745318331, ClinGen allele CA1679240.
Genomic context (GRCh38, chr2:61,840,027, plus strand): 5'-AGAAAGTCTCTCAGCTGCTTTTCCCGGGCTGCTCGCTTCTGTTCCTCCCTTGCTATAAAT[T>G]TAAATGGCTTTTGTGAGGCCAAAAGAGCTTCTTTGCTTTTCTCCTTCAGAGACCTTCTCC-3'
Protein context (NP_001188472.1, residues 316-336): EALLASQKPF[Lys326Thr]FIAREEQKRA

ClinVar aggregate classification (germline): Uncertain significance. Review status: criteria provided, multiple submitters, no conflicts (2 of 4 stars). 2 submissions from 2 submitters: Uncertain significance (2). Last evaluated 2024-08-15.

Allele frequency attached by ClinVar (database versions not stated): ExAC 0.00001; gnomAD 0.00001; gnomAD exomes 0.00002 and 0.00003; TOPMed 0.00002.
gnomAD v4.1: 44 of 1,614,094 alleles (0.0027%); highest among the groups gnomAD compares: Non-Finnish European, 0.0033%; no homozygotes.

Submissions (2):

Blueprint Genetics
Classification: Uncertain significance. Last evaluated: 2024-08-15. Review status: criteria provided, single submitter. Criteria: ACMG Guidelines, 2015. Collection method: clinical testing. Allele origin: germline.

Labcorp Genetics (formerly Invitae), Labcorp
Classification: Uncertain significance. Last evaluated: 2024-04-05. Review status: criteria provided, single submitter. Criteria: Invitae Variant Classification Sherloc (09022015). Collection method: clinical testing. Allele origin: germline.
Comment: This sequence change replaces lysine, which is basic and polar, with threonine, which is neutral and polar, at codon 326 of the FAM161A protein (p.Lys326Thr). This variant is present in population databases (rs745318331, gnomAD 0.008%). This variant has not been reported in the literature in individuals affected with FAM161A-related conditions. ClinVar contains an entry for this variant (Variation ID: 1443218). Advanced modeling of protein sequence and biophysical properties (such as structural, functional, and spatial information, amino acid conservation, physicochemical variation, residue mobility, and thermodynamic stability) performed at Invitae indicates that this missense variant is not expected to disrupt FAM161A protein function with a negative predictive value of 80%. In summary, the available evidence is currently insufficient to determine the role of this variant in disease. Therefore, it has been classified as a Variant of Uncertain Significance.